The following is an entry in ClinVar:

ClinVar aggregate classification (germline): Uncertain significance. Review status: criteria provided, multiple submitters, no conflicts (2 of 4 stars). 2 submissions from 2 submitters: Uncertain significance (2). Last evaluated 2023-08-21.

Conditions:
WDFY3-related disorder.

gnomAD v4.1: 1 of 1,609,712 alleles (0.000062%); no homozygotes.

Submissions (2):

PreventionGenetics, part of Exact Sciences
Classification: Uncertain significance for WDFY3-related condition. Last evaluated: 2023-08-21. Review status: criteria provided, single submitter. Criteria: ACMG Guidelines, 2015. Collection method: clinical testing. Allele origin: germline.
Comment: The WDFY3 c.1919G>C variant is predicted to result in the amino acid substitution p.Arg640Pro. To our knowledge, this variant has not been reported in the literature or in a large population database, indicating this variant is rare. At this time, the clinical significance of this variant is uncertain due to the absence of conclusive functional and genetic evidence.

GeneDx
Classification: Uncertain significance. Last evaluated: 2023-02-02. Review status: criteria provided, single submitter. Criteria: GeneDx Variant Classification Process June 2021. Collection method: clinical testing. Allele origin: germline. Affected: yes.
Comment: Not observed at significant frequency in large population cohorts (gnomAD); In silico analysis supports that this missense variant has a deleterious effect on protein structure/function; Has not been previously published as pathogenic or benign to our knowledge

NM_014991.6(WDFY3):c.1919G>C (p.Arg640Pro)

Genes: WDFY3 (WD repeat and FYVE domain containing 3; minus strand), WDFY3-AS1 (WDFY3 antisense RNA 1; plus strand). Cytogenetic location: 4q21.23.
Variant type: single nucleotide variant.
Coding change: c.1919G>C on transcript NM_014991.6 (MANE Select); coding-DNA position 1919, G replaced by C.
Protein change: p.Arg640Pro; replaces arginine 640 with proline.
Molecular consequence: missense variant. On other transcripts: non-coding transcript variant (1).
Genome position (GRCh38, 1-based): chr4:84,810,313, C>G on the plus strand (G>C on the coding strand, the complement: WDFY3 is on the minus strand). VCF-style: chr4-84810313-C-G. GRCh37 (hg19) VCF-style: chr4-85731466-C-G.
Other names: short protein forms R640P.
Identifiers: ClinVar variation 2574830 (VCV002574830.2), dbSNP rs765823587, ClinGen allele CA357568906.